The following is an entry in ClinVar:

ClinVar aggregate classification (germline): Uncertain significance. Review status: criteria provided, multiple submitters, no conflicts (2 of 4 stars). 3 submissions from 3 submitters: Uncertain significance (3). Last evaluated 2026-03-18.

Conditions:
Inborn genetic diseases. Identifiers: MedGen C0950123, MeSH D030342.
LRSAM1-related disorder. Also called: LRSAM1-related condition.

Allele frequency attached by ClinVar (database versions not stated): TOPMed 0.00001; gnomAD 0.00003.
gnomAD v4.1: 22 of 1,609,824 alleles (0.0014%); highest among the groups gnomAD compares: African/African-American, 0.004%; no homozygotes.

Submissions (3):

PreventionGenetics, part of Exact Sciences
Classification: Uncertain significance for LRSAM1-related condition. Last evaluated: 2026-03-18. Review status: criteria provided, single submitter. Criteria: ACMG Guidelines, 2015. Collection method: clinical testing. Allele origin: germline.
Comment: The LRSAM1 c.1372G>A variant is predicted to result in the amino acid substitution p.Glu458Lys. To our knowledge, this variant has not been reported in the literature. This variant is reported in 0.0018% of alleles in individuals of European (non-Finnish) descent in gnomAD. At this time, the clinical significance of this variant is uncertain due to the absence of conclusive functional and genetic evidence.

GeneDx
Classification: Uncertain significance. Last evaluated: 2025-06-07. Review status: criteria provided, single submitter. Criteria: GeneDx Variant Classification Process June 2021. Collection method: clinical testing. Allele origin: germline. Affected: yes.
Comment: Not observed at significant frequency in large population cohorts (gnomAD); In silico analysis suggests that this missense variant does not alter protein structure/function; Has not been previously published as pathogenic or benign to our knowledge

Ambry Genetics
Classification: Uncertain significance for Inborn genetic diseases. Last evaluated: 2023-01-11. Review status: criteria provided, single submitter. Criteria: Ambry Variant Classification Scheme 2023. Collection method: clinical testing. Allele origin: germline.

NM_001005373.4(LRSAM1):c.1372G>A (p.Glu458Lys)

Gene: LRSAM1 (leucine rich repeat and sterile alpha motif containing 1; plus strand). Cytogenetic location: 9q33.3.
Variant type: single nucleotide variant.
Coding change: c.1372G>A on transcript NM_001005373.4 (MANE Select); coding-DNA position 1372, G replaced by A.
Protein change: p.Glu458Lys; replaces glutamic acid 458 with lysine.
Molecular consequence: missense variant. On other transcripts: non-coding transcript variant (2).
Genome position (GRCh38, 1-based): chr9:127,489,468, G>A. VCF-style: chr9-127489468-G-A. GRCh37 (hg19) VCF-style: chr9-130251747-G-A.
Other names: c.1372G>A, p.Glu458Lys (NM_001005374.4, NM_001190723.3, NM_001384142.1 and 2 more transcripts); c.583G>A, p.Glu195Lys (NM_001384144.1); short protein forms E195K, E458K.
Identifiers: ClinVar variation 2472882 (VCV002472882.4), dbSNP rs751875555, ClinGen allele CA5246964.
Genomic context (GRCh38, chr9:127,489,468, plus strand): 5'-ACGGCCCCTGCTGAGGGCTGGTGGTCTGTGTTGCAGAGCGCGATGCAGAAGGCTGCGTTC[G>A]AGGCACTCCAGGTGAAGAAAGACCTGATGCATCGGCAGATCAGGAGCCAGGTGAGCGCTG-3'
Protein context (NP_001005373.1, residues 448-468): QESAMQKAAF[Glu458Lys]ALQVKKDLMH